The following is an entry in ClinVar:

NM_004409.5(DMPK):c.1145G>T (p.Gly382Val)

Gene: DMPK (DM1 protein kinase; minus strand). Cytogenetic location: 19q13.32.
Variant type: single nucleotide variant.
Coding change: c.1145G>T on transcript NM_004409.5 (MANE Select); coding-DNA position 1145, G replaced by T.
Protein change: p.Gly382Val; replaces glycine 382 with valine.
Molecular consequence: missense variant. On other transcripts: intron variant (4).
Genome position (GRCh38, 1-based): chr19:45,777,328, C>A on the plus strand (G>T on the coding strand, the complement: DMPK is on the minus strand). VCF-style: chr19-45777328-C-A. GRCh37 (hg19) VCF-style: chr19-46280586-C-A.
Other names: c.1175G>T, p.Gly392Val (NM_001081563.3); c.1223G>T, p.Gly408Val (NM_001288764.2, NM_001424163.1); c.878G>T, p.Gly293Val (NM_001288765.2); c.1145G>T, p.Gly382Val (NM_001424162.1, NM_001424164.1, NM_001424165.1 and 1 more transcripts); c.704G>T, p.Gly235Val (NM_001424166.1); c.1131+14G>T (NM_001288766.2, NM_001424169.1, NM_001081562.3 and 1 more transcripts); short protein forms G235V, G293V, G382V, G392V, G408V.
Identifiers: ClinVar variation 4539992 (VCV004539992.1).

ClinVar aggregate classification (germline): Uncertain significance (1 of 4 stars; one submission).

gnomAD v4.1: 42 of 1,566,196 alleles (0.0027%); highest among the groups gnomAD compares: African/African-American, 0.053%; no homozygotes.

Submission:

GeneDx
Classification: Uncertain significance. Last evaluated: 2025-06-27. Review status: criteria provided, single submitter. Criteria: GeneDx Variant Classification Process June 2021. Collection method: clinical testing. Allele origin: germline. Affected: yes.
Comment: Reported as a de novo variant in a patient from a large cohort study of probands with neurodevelopmental disorders (PMID: 31785789); In silico analysis suggests that this variant does not alter splicing; Reported using an alternate transcript of the gene; This variant is associated with the following publications: (PMID: 35982160, 35982159, 31785789)